The following is an entry in ClinVar:

ClinVar aggregate classification (germline): Uncertain significance. Review status: criteria provided, multiple submitters, no conflicts (2 of 4 stars). 2 submissions from 2 submitters: Uncertain significance (2). Last evaluated 2023-06-19.

Conditions:
Inborn genetic diseases. Identifiers: MedGen C0950123, MeSH D030342.
Developmental and epileptic encephalopathy, 9 (DEE9). Also called: Early infantile epileptic encephalopathy 9; PCDH19-Related X-Linked Female-Limited Epilepsy with Mental Retardation; EPILEPSY, FEMALE-RESTRICTED, WITH MENTAL RETARDATION; JUBERG-HELLMAN SYNDROME. Identifiers: Orphanet 101039, Orphanet 2076, MedGen C1848137, MONDO:0010246, OMIM 300088. Disease mechanism: loss of function.

Allele frequency attached by ClinVar (database versions not stated): ExAC 0.00001; TOPMed 0.00002.

Submissions (2):

Labcorp Genetics (formerly Invitae), Labcorp
Classification: Uncertain significance for Developmental and epileptic encephalopathy, 9. Last evaluated: 2023-06-19. Review status: criteria provided, single submitter. Criteria: Invitae Variant Classification Sherloc (09022015). Collection method: clinical testing. Allele origin: germline.
Comment: In summary, the available evidence is currently insufficient to determine the role of this variant in disease. Therefore, it has been classified as a Variant of Uncertain Significance. Advanced modeling of protein sequence and biophysical properties (such as structural, functional, and spatial information, amino acid conservation, physicochemical variation, residue mobility, and thermodynamic stability) has been performed at Invitae for this missense variant, however the output from this modeling did not meet the statistical confidence thresholds required to predict the impact of this variant on PCDH19 protein function. ClinVar contains an entry for this variant (Variation ID: 533853). This variant has not been reported in the literature in individuals affected with PCDH19-related conditions. This variant is not present in population databases (gnomAD no frequency). This sequence change replaces arginine, which is basic and polar, with cysteine, which is neutral and slightly polar, at codon 827 of the PCDH19 protein (p.Arg827Cys).

Ambry Genetics
Classification: Uncertain significance for Inborn genetic diseases. Last evaluated: 2017-12-17. Review status: criteria provided, single submitter. Criteria: Ambry Variant Classification Scheme 2023. Collection method: clinical testing. Allele origin: germline.
Comment: The p.R827C variant (also known as c.2479C>T), located in coding exon 3 of the PCDH19 gene, results from a C to T substitution at nucleotide position 2479. The arginine at codon 827 is replaced by cysteine, an amino acid with highly dissimilar properties. This amino acid position is highly conserved in available vertebrate species. In addition, this alteration is predicted to be deleterious by in silico analysis. Since supporting evidence is limited at this time, the clinical significance of this alteration remains unclear.

NM_001184880.2(PCDH19):c.2479C>T (p.Arg827Cys)

Genes: PCDH19 (protocadherin 19; minus strand), LOC125467768 (CDK7 strongly-dependent group 2 enhancer GRCh37_chrX:99657381-99658580; plus strand). Cytogenetic location: Xq22.1.
Variant type: single nucleotide variant.
Coding change: c.2479C>T on transcript NM_001184880.2 (MANE Select); coding-DNA position 2479, C replaced by T.
Protein change: p.Arg827Cys; replaces arginine 827 with cysteine.
Molecular consequence: missense variant.
Genome position (GRCh38, 1-based): chrX:100,402,661, G>A on the plus strand (C>T on the coding strand, the complement: PCDH19 is on the minus strand). VCF-style: chrX-100402661-G-A. GRCh37 (hg19) VCF-style: chrX-99657659-G-A.
Other names: c.2338C>T, p.Arg780Cys (NM_001105243.2, NM_020766.3); short protein forms R827C, R780C.
Identifiers: ClinVar variation 533853 (VCV000533853.11), dbSNP rs773732791, ClinGen allele CA10468767.